The following is an entry in ClinVar:

ClinVar aggregate classification (germline): Uncertain significance (1 of 4 stars; one submission).

Conditions:
Neuropathy, hereditary sensory and autonomic, type 2A (HSAN2A). Also called: WNK1-Related HSAN2 (HSAN2A); ACROOSTEOLYSIS, GIACCAI TYPE; ACROOSTEOLYSIS, NEUROGENIC; HSAN IIA; MORVAN DISEASE; NEUROPATHY, CONGENITAL SENSORY. Identifiers: Orphanet 970, MedGen C2752089, MONDO:0024309, OMIM 201300.
Generalized epilepsy with febrile seizures plus, type 7 (GEFSP7). Also called: GEFS+, TYPE 7. Identifiers: Orphanet 36387, MedGen C2751778, MONDO:0013470, OMIM 613863.

Allele frequency attached by ClinVar (database versions not stated): TOPMed below 0.00001; gnomAD 0.00001; gnomAD exomes 0.00004; ExAC 0.00005; 1000 Genomes Project 30x 0.00016; 1000 Genomes Project 0.00020.
gnomAD v4.1: 20 of 1,613,934 alleles (0.0012%); highest among the groups gnomAD compares: East Asian, 0.0045%; no homozygotes.

Submission:

Labcorp Genetics (formerly Invitae), Labcorp
Classification: Uncertain significance for Neuropathy, hereditary sensory and autonomic, type 2A; Generalized epilepsy with febrile seizures plus, type 7. Last evaluated: 2024-11-21. Review status: criteria provided, single submitter. Criteria: Invitae Variant Classification Sherloc (09022015). Collection method: clinical testing. Allele origin: germline.
Comment: This sequence change replaces arginine, which is basic and polar, with histidine, which is basic and polar, at codon 1887 of the SCN9A protein (p.Arg1887His). This variant is present in population databases (rs558053149, gnomAD 0.006%). This missense change has been observed in individual(s) with generalized epilepsy with febrile seizures, plus (PMID: 35886038). ClinVar contains an entry for this variant (Variation ID: 1467991). Invitae Evidence Modeling of protein sequence and biophysical properties (such as structural, functional, and spatial information, amino acid conservation, physicochemical variation, residue mobility, and thermodynamic stability) indicates that this missense variant is not expected to disrupt SCN9A protein function with a negative predictive value of 95%. In summary, the available evidence is currently insufficient to determine the role of this variant in disease. Therefore, it has been classified as a Variant of Uncertain Significance.

Literature cited by the submitters: PubMed 35886038.

NM_001365536.1(SCN9A):c.5693G>A (p.Arg1898His)

Genes: SCN9A (sodium voltage-gated channel alpha subunit 9; minus strand), SCN1A-AS1 (SCN1A and SCN9A antisense RNA 1; plus strand). Cytogenetic location: 2q24.3.
Variant type: single nucleotide variant.
Coding change: c.5693G>A on transcript NM_001365536.1 (MANE Select); coding-DNA position 5693, G replaced by A.
Protein change: p.Arg1898His; replaces arginine 1898 with histidine.
Molecular consequence: missense variant.
Genome position (GRCh38, 1-based): chr2:166,198,946, C>T on the plus strand (G>A on the coding strand, the complement: SCN9A is on the minus strand). VCF-style: chr2-166198946-C-T. GRCh37 (hg19) VCF-style: chr2-167055456-C-T.
Other names: c.5660G>A, p.Arg1887His (NM_002977.4); short protein forms R1898H, R1887H.
Identifiers: ClinVar variation 1467991 (VCV001467991.6), dbSNP rs558053149, ClinGen allele CA1943634.